The following is an entry in ClinVar:

ClinVar aggregate classification (germline): Pathogenic (1 of 4 stars; one submission).

Conditions:
Joubert syndrome 3 (JBTS3). Also called: AHI1-related Ciliopathy. Identifiers: Orphanet 220493, MedGen C1837713, MONDO:0012078, OMIM 608629.

Submission:

Myriad Genetics, Inc.
Classification: Pathogenic for Joubert syndrome 3. Last evaluated: 2025-05-19. Review status: criteria provided, single submitter. Criteria: Myriad Autosomal Dominant, Autosomal Recessive and X-Linked Classification Criteria (2023). Collection method: clinical testing. Allele origin: unknown.
Comment: NM_001134831.1(AHI1):c.358delG(D120Tfs*10) is expected to be pathogenic in the context of Joubert syndrome, AHI1-related. This variant is predicted to lead to an abnormal or absent protein product due to the creation of a premature termination codon in AHI1, a gene where loss-of-function variants are known to be pathogenic. Please note: this variant was assessed in the context of healthy population screening.

NM_001134831.2(AHI1):c.358del (p.Asp120fs)

Gene: AHI1 (Abelson helper integration site 1; minus strand). Cytogenetic location: 6q23.3.
Variant type: Deletion.
Coding change: c.358del on transcript NM_001134831.2 (MANE Select); coding-DNA position 358, one base deleted (G; older notation c.358delG).
Protein change: p.Asp120fs; shifts the reading frame from aspartic acid 120.
Molecular consequence: frameshift variant.
Genome position (GRCh38, 1-based): chr6:135,466,205, C deleted on the plus strand (G on the coding strand, the reverse complement: AHI1 is on the minus strand). VCF-style (leftmost placement, unchanged base first): chr6-135466204-TC-T. GRCh37 (hg19) VCF-style: chr6-135787342-TC-T.
Other names: c.358del, p.Asp120fs (NM_001134830.2, NM_001134832.2, NM_001350503.2 and 2 more transcripts); short protein forms D120fs.
Identifiers: ClinVar variation 5014477 (VCV005014477.1).